The following is an entry in ClinVar:

NM_000038.6(APC):c.4413_4420dup (p.Ala1474delinsGluTer)

Gene: APC (APC regulator of WNT signaling pathway; plus strand). Cytogenetic location: 5q22.2.
Variant type: Duplication.
Coding change: c.4413_4420dup on transcript NM_000038.6 (MANE Select); coding-DNA positions 4413 to 4420, 8 bases duplicated (AGTAAATG; older notation c.4413_4420dupAGTAAATG).
Protein change: p.Ala1474delinsGluTer.
Molecular consequence: nonsense.
Genome position (GRCh38, 1-based): chr5:112,840,007-112,840,014, AGTAAATG duplicated. VCF-style (leftmost placement, unchanged base first): chr5-112840006-C-CAGTAAATG. GRCh37 (hg19) VCF-style: chr5-112175703-C-CAGTAAATG.
Other names: c.4413_4420dup, p.Ala1474delinsGluTer (NM_001127510.3, NM_001354895.2); c.4359_4366dup, p.Ala1456delinsGluTer (NM_001127511.3); c.4467_4474dup, p.Ala1492delinsGluTer (NM_001354896.2); c.4443_4450dup, p.Ala1484delinsGluTer (NM_001354897.2); c.4338_4345dup, p.Ala1449delinsGluTer (NM_001354898.2); c.4329_4336dup, p.Ala1446delinsGluTer (NM_001354899.2); c.4290_4297dup, p.Ala1433delinsGluTer (NM_001354900.2); c.4236_4243dup, p.Ala1415delinsGluTer (NM_001354901.2); and 5 more.
Identifiers: ClinVar variation 993238 (VCV000993238.1), dbSNP rs1765677069, ClinGen allele CA1139659014.

ClinVar aggregate classification (germline): Pathogenic (1 of 4 stars; one submission).

Submission:

Quest Diagnostics Nichols Institute San Juan Capistrano
Classification: Pathogenic. Last evaluated: 2020-05-31. Review status: criteria provided, single submitter. Criteria: Quest Diagnostics criteria. Collection method: clinical testing. Allele origin: unknown.
Comment: The variant results in a shift of the reading frame, and is therefore predicted to result in the loss of a functional protein. Found in at least one patient with expected phenotype for this gene, and not found in general population data.

Literature cited by the submitters: PubMed 29026543.